The following is an entry in ClinVar:

ClinVar aggregate classification (germline): Uncertain significance (1 of 4 stars; one submission).

Allele frequency attached by ClinVar (database versions not stated): gnomAD 0.00019; ExAC 0.00003.
gnomAD v4.1: 68 of 1,611,198 alleles (0.0042%); highest among the groups gnomAD compares: Admixed American, 0.045%; 1 homozygote.

Submission:

GeneDx
Classification: Uncertain significance. Last evaluated: 2026-08-27. Review status: criteria provided, single submitter. Criteria: GeneDx Variant Classification Process June 2021. Collection method: clinical testing. Allele origin: germline.
Comment: In silico analysis suggests that this missense variant does not alter protein structure/function; Has not been previously published as pathogenic or benign to our knowledge

NM_004667.6(HERC2):c.6365C>T (p.Thr2122Met)

Gene: HERC2 (HECT and RLD domain containing E3 ubiquitin protein ligase 2; minus strand). Cytogenetic location: 15q13.1.
Variant type: single nucleotide variant.
Coding change: c.6365C>T on transcript NM_004667.6 (MANE Select); coding-DNA position 6365, C replaced by T.
Protein change: p.Thr2122Met; replaces threonine 2122 with methionine.
Molecular consequence: missense variant.
Genome position (GRCh38, 1-based): chr15:28,214,266, G>A on the plus strand (C>T on the coding strand, the complement: HERC2 is on the minus strand). VCF-style: chr15-28214266-G-A. GRCh37 (hg19) VCF-style: chr15-28459412-G-A.
Other names: short protein forms T2122M.
Identifiers: ClinVar variation 3252962 (VCV003252962.2), dbSNP rs762921100.